The following is an entry in ClinVar:

NM_001166114.2(PNPLA6):c.3883A>G (p.Thr1295Ala)

Gene: PNPLA6 (patatin like domain 6, lysophospholipase; plus strand). Cytogenetic location: 19p13.2.
Variant type: single nucleotide variant.
Coding change: c.3883A>G on transcript NM_001166114.2 (MANE Select); coding-DNA position 3883, A replaced by G.
Protein change: p.Thr1295Ala; replaces threonine 1295 with alanine.
Molecular consequence: missense variant.
Genome position (GRCh38, 1-based): chr19:7,561,080, A>G. VCF-style: chr19-7561080-A-G. GRCh37 (hg19) VCF-style: chr19-7625966-A-G.
Other names: c.3913A>G, p.Thr1305Ala (NM_001166111.2); c.3688A>G, p.Thr1230Ala (NM_001166112.2); c.3769A>G, p.Thr1257Ala (NM_001166113.1, NM_006702.5); short protein forms T1257A, T1295A, T1305A, T1230A.
Identifiers: ClinVar variation 1387299 (VCV001387299.6), dbSNP rs2146122983, ClinGen allele CA403138631.

ClinVar aggregate classification (germline): Uncertain significance (1 of 4 stars; one submission).

Conditions:
Hereditary spastic paraplegia 39 (SPG39). Also called: SPASTIC PARAPLEGIA 39, AUTOSOMAL RECESSIVE; Spastic Paraplegia Type 39 (SPG39). Identifiers: Orphanet 139480, MedGen C2677586, MONDO:0012787, OMIM 612020.

Submission:

Labcorp Genetics (formerly Invitae), Labcorp
Classification: Uncertain significance for Hereditary spastic paraplegia 39. Last evaluated: 2024-02-24. Review status: criteria provided, single submitter. Criteria: Invitae Variant Classification Sherloc (09022015). Collection method: clinical testing. Allele origin: germline.
Comment: This sequence change replaces threonine, which is neutral and polar, with alanine, which is neutral and non-polar, at codon 1257 of the PNPLA6 protein (p.Thr1257Ala). This variant is not present in population databases (gnomAD no frequency). This variant has not been reported in the literature in individuals affected with PNPLA6-related conditions. ClinVar contains an entry for this variant (Variation ID: 1387299). Advanced modeling of protein sequence and biophysical properties (such as structural, functional, and spatial information, amino acid conservation, physicochemical variation, residue mobility, and thermodynamic stability) has been performed at Invitae for this missense variant, however the output from this modeling did not meet the statistical confidence thresholds required to predict the impact of this variant on PNPLA6 protein function. In summary, the available evidence is currently insufficient to determine the role of this variant in disease. Therefore, it has been classified as a Variant of Uncertain Significance.